The following is an entry in ClinVar:

ClinVar aggregate classification (germline): Uncertain significance (1 of 4 stars; one submission).

gnomAD v4.1: 9 of 1,613,324 alleles (0.00056%); highest among the groups gnomAD compares: South Asian, 0.0099%; no homozygotes.

Submission:

Labcorp Genetics (formerly Invitae), Labcorp
Classification: Uncertain significance. Last evaluated: 2024-08-12. Review status: criteria provided, single submitter. Criteria: Invitae Variant Classification Sherloc (09022015). Collection method: clinical testing. Allele origin: germline.
Comment: This sequence change replaces glycine, which is neutral and non-polar, with serine, which is neutral and polar, at codon 1894 of the HMCN1 protein (p.Gly1894Ser). This variant is present in population databases (rs779202519, gnomAD 0.006%). This variant has not been reported in the literature in individuals affected with HMCN1-related conditions. An algorithm developed to predict the effect of missense changes on protein structure and function (PolyPhen-2) suggests that this variant is likely to be disruptive. In summary, the available evidence is currently insufficient to determine the role of this variant in disease. Therefore, it has been classified as a Variant of Uncertain Significance.

NM_031935.3(HMCN1):c.5680G>A (p.Gly1894Ser)

Gene: HMCN1 (hemicentin 1; plus strand). Cytogenetic location: 1q31.1.
Variant type: single nucleotide variant.
Coding change: c.5680G>A on transcript NM_031935.3 (MANE Select); coding-DNA position 5680, G replaced by A.
Protein change: p.Gly1894Ser; replaces glycine 1894 with serine.
Molecular consequence: missense variant.
Genome position (GRCh38, 1-based): chr1:186,023,084, G>A. VCF-style: chr1-186023084-G-A. GRCh37 (hg19) VCF-style: chr1-185992216-G-A.
Other names: short protein forms G1894S.
Identifiers: ClinVar variation 3698220 (VCV003698220.2).